The following is an entry in ClinVar:

ClinVar aggregate classification (germline): Uncertain significance (1 of 4 stars; one submission).

Conditions:
Renal carnitine transport defect (CDSP). Also called: Systemic primary carnitine deficiency; Carnitine Deficiency, Systemic; Systemic primary carnitine deficiency disease; CARNITINE DEFICIENCY, SYSTEMIC, DUE TO DEFECT IN RENAL REABSORPTION OF CARNITINE; CARNITINE TRANSPORTER, PLASMA-MEMBRANE, DEFICIENCY OF; CARNITINE UPTAKE DEFECT. Identifiers: Orphanet 158, MedGen C0342788, MONDO:0008919, OMIM 212140.

Submission:

3billion
Classification: Uncertain significance for Renal carnitine transport defect. Last evaluated: 2025-08-20. Review status: criteria provided, single submitter. Criteria: ACMG Guidelines, 2015. Collection method: clinical testing. Allele origin: germline. Affected: yes.
Comment: The variant is not observed in the gnomAD v4.1.0 dataset. Predicted Consequence/Location: Missense variant In silico tool predictions suggest damaging effect of the variant on gene or gene product [REVEL: 0.82 (>=0.6, sensitivity 0.68 and specificity 0.92)]. Therefore, this variant is classified as VUS according to the recommendation of ACMG/AMP guideline.

NM_003060.4(SLC22A5):c.652G>C (p.Gly218Arg)

Gene: SLC22A5 (solute carrier family 22 member 5; plus strand). Cytogenetic location: 5q31.1.
Variant type: single nucleotide variant.
Coding change: c.652G>C on transcript NM_003060.4 (MANE Select); coding-DNA position 652, G replaced by C.
Protein change: p.Gly218Arg; replaces glycine 218 with arginine.
Molecular consequence: missense variant.
Genome position (GRCh38, 1-based): chr5:132,384,301, G>C. VCF-style: chr5-132384301-G-C. GRCh37 (hg19) VCF-style: chr5-131719993-G-C.
Other names: c.724G>C, p.Gly242Arg (NM_001308122.2); short protein forms G218R, G242R.
Identifiers: ClinVar variation 4855377 (VCV004855377.1).